The following is an entry in ClinVar:

NM_213653.4(HJV):c.442T>A (p.Cys148Ser)

Gene: HJV (hemojuvelin BMP co-receptor; minus strand). Cytogenetic location: 1q21.1.
Variant type: single nucleotide variant.
Coding change: c.442T>A on transcript NM_213653.4 (MANE Select); coding-DNA position 442, T replaced by A.
Protein change: p.Cys148Ser; replaces cysteine 148 with serine.
Molecular consequence: missense variant. On other transcripts: intron variant (3).
Genome position (GRCh38, 1-based): chr1:146,019,390, A>T on the plus strand (T>A on the coding strand, the complement: HJV is on the minus strand). VCF-style: chr1-146019390-A-T. GRCh37 (hg19) VCF-style: chr1-145415623-T-A.
Other names: c.442T>A, p.Cys148Ser (NM_001379352.1); c.103T>A, p.Cys35Ser (NM_145277.5); c.-21-690T>A (NM_213652.4); c.-22+308T>A (NM_202004.4, NM_001316767.2); short protein forms C148S, C35S.
Identifiers: ClinVar variation 662092 (VCV000662092.6), dbSNP rs782741141, ClinGen allele CA1053822.
Genomic context (GRCh38, chr1:146,019,390, plus strand): 5'-CGCAATGCAAGAACCCCGGGGGACGACCATGCAGCCGGGAAAACCGGCCTTCATAGTCAC[A>T]AGGGTCCGGGGCAGGGAGGCCGGAGCCCGCGCCTGGAAGGGCGGGGCCCCGGGGCGGGGG-3'
Protein context (NP_998818.1, residues 138-158): AGSGLPAPDP[Cys148Ser]DYEGRFSRLH

ClinVar aggregate classification (germline): Uncertain significance. Review status: criteria provided, multiple submitters, no conflicts (2 of 4 stars). 2 submissions from 2 submitters: Uncertain significance (2). Last evaluated 2024-11-19.

Allele frequency attached by ClinVar (database versions not stated): ExAC 0.00001; gnomAD 0.00001; gnomAD exomes 0.00001 and 0.00002; TOPMed 0.00002.
gnomAD v4.1: 24 of 1,613,520 alleles (0.0015%); highest among the groups gnomAD compares: Non-Finnish European, 0.002%; no homozygotes.

Submissions (2):

Labcorp Genetics (formerly Invitae), Labcorp
Classification: Uncertain significance. Last evaluated: 2024-11-19. Review status: criteria provided, single submitter. Criteria: Invitae Variant Classification Sherloc (09022015). Collection method: clinical testing. Allele origin: germline.
Comment: This sequence change replaces cysteine, which is neutral and slightly polar, with serine, which is neutral and polar, at codon 148 of the HJV protein (p.Cys148Ser). This variant is present in population databases (rs782741141, gnomAD 0.002%). This missense change has been observed in individual(s) with clinical features of HJV-related conditions (internal data). ClinVar contains an entry for this variant (Variation ID: 662092). An algorithm developed to predict the effect of missense changes on protein structure and function (PolyPhen-2) suggests that this variant is likely to be disruptive. In summary, the available evidence is currently insufficient to determine the role of this variant in disease. Therefore, it has been classified as a Variant of Uncertain Significance.

Ambry Genetics
Classification: Uncertain significance. Last evaluated: 2022-12-13. Review status: criteria provided, single submitter. Criteria: Ambry Variant Classification Scheme 2023. Collection method: clinical testing. Allele origin: germline.